The following is an entry in ClinVar:

NM_145064.3(STAC3):c.113A>G (p.Lys38Arg)

Gene: STAC3 (SH3 and cysteine rich domain 3; minus strand). Cytogenetic location: 12q13.3.
Variant type: single nucleotide variant.
Coding change: c.113A>G on transcript NM_145064.3 (MANE Select); coding-DNA position 113, A replaced by G.
Protein change: p.Lys38Arg; replaces lysine 38 with arginine.
Molecular consequence: missense variant. On other transcripts: 5 prime UTR variant (1), intron variant (1).
Genome position (GRCh38, 1-based): chr12:57,249,262, T>C on the plus strand (A>G on the coding strand, the complement: STAC3 is on the minus strand). VCF-style: chr12-57249262-T-C. GRCh37 (hg19) VCF-style: chr12-57643045-T-C.
Other names: c.-5A>G (NM_001286256.2); c.-126-1064A>G (NM_001286257.2); short protein forms K38R.
Identifiers: ClinVar variation 1932807 (VCV001932807.5), dbSNP rs2548121533, ClinGen allele CA385417913.

ClinVar aggregate classification (germline): Uncertain significance (1 of 4 stars; one submission).

Conditions:
Bailey-Bloch congenital myopathy (CMYO13). Also called: Native American myopathy; Congenital myopathy 13; STAC3 disorder. Identifiers: Orphanet 168572, MedGen C1850625, MONDO:0009722, OMIM 255995.

Submission:

Labcorp Genetics (formerly Invitae), Labcorp
Classification: Uncertain significance for Bailey-Bloch congenital myopathy. Last evaluated: 2022-09-15. Review status: criteria provided, single submitter. Criteria: Invitae Variant Classification Sherloc (09022015). Collection method: clinical testing. Allele origin: germline.
Comment: In summary, the available evidence is currently insufficient to determine the role of this variant in disease. Therefore, it has been classified as a Variant of Uncertain Significance. Advanced modeling of protein sequence and biophysical properties (such as structural, functional, and spatial information, amino acid conservation, physicochemical variation, residue mobility, and thermodynamic stability) performed at Invitae indicates that this missense variant is not expected to disrupt STAC3 protein function. This variant has not been reported in the literature in individuals affected with STAC3-related conditions. This variant is not present in population databases (gnomAD no frequency). This sequence change replaces lysine, which is basic and polar, with arginine, which is basic and polar, at codon 38 of the STAC3 protein (p.Lys38Arg).